The following is an entry in ClinVar:

NM_012418.4(FSCN2):c.829G>T (p.Val277Phe)

Gene: FSCN2 (fascin actin-bundling protein 2, retinal; plus strand). Cytogenetic location: 17q25.3.
Variant type: single nucleotide variant.
Coding change: c.829G>T on transcript NM_012418.4 (MANE Select); coding-DNA position 829, G replaced by T.
Protein change: p.Val277Phe; replaces valine 277 with phenylalanine.
Molecular consequence: missense variant.
Genome position (GRCh38, 1-based): chr17:81,535,054, G>T. VCF-style: chr17-81535054-G-T. GRCh37 (hg19) VCF-style: chr17-79502080-G-T.
Other names: c.829G>T, p.Val277Phe (NM_001077182.3); short protein forms V277F.
Identifiers: ClinVar variation 2978586 (VCV002978586.3), dbSNP rs181420326, ClinGen allele CA295084091.

ClinVar aggregate classification (germline): Uncertain significance (1 of 4 stars; one submission).

Allele frequency attached by ClinVar (database versions not stated): 1000 Genomes Project 30x 0.00016.
gnomAD v4.1: 65 of 1,528,250 alleles (0.0043%); highest among the groups gnomAD compares: Non-Finnish European, 0.0055%; no homozygotes.

Submission:

Labcorp Genetics (formerly Invitae), Labcorp
Classification: Uncertain significance. Last evaluated: 2025-07-31. Review status: criteria provided, single submitter. Criteria: Invitae Variant Classification Sherloc (09022015). Collection method: clinical testing. Allele origin: germline.
Comment: This sequence change replaces valine, which is neutral and non-polar, with phenylalanine, which is neutral and non-polar, at codon 277 of the FSCN2 protein (p.Val277Phe). This variant is present in population databases (rs181420326, gnomAD 0.004%). This variant has not been reported in the literature in individuals affected with FSCN2-related conditions. ClinVar contains an entry for this variant (Variation ID: 2978586). An algorithm developed to predict the effect of missense changes on protein structure and function (PolyPhen-2) suggests that this variant is likely to be disruptive. In summary, the available evidence is currently insufficient to determine the role of this variant in disease. Therefore, it has been classified as a Variant of Uncertain Significance.